The following is an entry in ClinVar:

NM_000179.3(MSH6):c.822C>G (p.Ser274Arg)

Gene: MSH6 (mutS homolog 6; plus strand). Cytogenetic location: 2p16.3.
Variant type: single nucleotide variant.
Coding change: c.822C>G on transcript NM_000179.3 (MANE Select); coding-DNA position 822, C replaced by G.
Protein change: p.Ser274Arg; replaces serine 274 with arginine.
Molecular consequence: missense variant. On other transcripts: 5 prime UTR variant (2).
Genome position (GRCh38, 1-based): chr2:47,798,805, C>G. VCF-style: chr2-47798805-C-G. GRCh37 (hg19) VCF-style: chr2-48025944-C-G.
Other names: c.432C>G, p.Ser144Arg (NM_001281492.2); c.-85C>G (NM_001281493.2, NM_001281494.2, NM_001406811.1 and 6 more transcripts); c.918C>G, p.Ser306Arg (NM_001406795.1, NM_001406802.1); c.822C>G, p.Ser274Arg (NM_001406796.1, NM_001406798.1, NM_001406800.1 and 4 more transcripts); c.525C>G, p.Ser175Arg (NM_001406797.1, NM_001406801.1, NM_001406805.1 and 10 more transcripts); c.297C>G, p.Ser99Arg (NM_001406799.1, NM_001406806.1, NM_001406807.1); c.744C>G, p.Ser248Arg (NM_001406804.1); c.828C>G, p.Ser276Arg (NM_001406813.1); and 1 more; short protein forms S144R, S175R, S248R, S99R, S218R, S276R, S274R, S306R.
Identifiers: ClinVar variation 1762542 (VCV001762542.2), dbSNP rs768654339, ClinGen allele CA346740427.

ClinVar aggregate classification (germline): Uncertain significance (1 of 4 stars; one submission).

Conditions:
Hereditary cancer-predisposing syndrome. Also called: Neoplastic Syndromes, Hereditary; Tumor predisposition; Hereditary Cancer Syndrome; Hereditary neoplastic syndrome. Identifiers: Orphanet 140162, MedGen C0027672, MeSH D009386, MONDO:0015356.

Submission:

Ambry Genetics
Classification: Uncertain significance for Hereditary cancer-predisposing syndrome. Last evaluated: 2022-03-27. Review status: criteria provided, single submitter. Criteria: Ambry Variant Classification Scheme 2023. Collection method: clinical testing. Allele origin: germline.
Comment: The p.S274R variant (also known as c.822C>G), located in coding exon 4 of the MSH6 gene, results from a C to G substitution at nucleotide position 822. The serine at codon 274 is replaced by arginine, an amino acid with dissimilar properties. This amino acid position is conserved. In addition, the in silico prediction for this alteration is inconclusive. Since supporting evidence is limited at this time, the clinical significance of this alteration remains unclear.